The following is an entry in ClinVar:

NM_001018113.3(FANCB):c.1719G>T (p.Glu573Asp)

Gene: FANCB (FA complementation group B; minus strand). Cytogenetic location: Xp22.2.
Variant type: single nucleotide variant.
Coding change: c.1719G>T on transcript NM_001018113.3 (MANE Select); coding-DNA position 1719, G replaced by T.
Protein change: p.Glu573Asp; replaces glutamic acid 573 with aspartic acid.
Molecular consequence: missense variant.
Genome position (GRCh38, 1-based): chrX:14,845,064, C>A on the plus strand (G>T on the coding strand, the complement: FANCB is on the minus strand). VCF-style: chrX-14845064-C-A. GRCh37 (hg19) VCF-style: chrX-14863186-C-A.
Other names: c.1719G>T, p.Glu573Asp (NM_001324162.2, NM_152633.4); short protein forms E573D.
Identifiers: ClinVar variation 951089 (VCV000951089.10), dbSNP rs773221142, ClinGen allele CA10353012.

ClinVar aggregate classification (germline): Uncertain significance. Review status: criteria provided, multiple submitters, no conflicts (2 of 4 stars). 2 submissions from 2 submitters: Uncertain significance (2). Last evaluated 2022-03-27.

Conditions:
Fanconi anemia complementation group B (FANCB). Also called: FANCB-Related Fanconi Anemia; FANCONI PANCYTOPENIA, TYPE 2. Identifiers: Orphanet 84, MedGen C1845292, MONDO:0010351, OMIM 300514.
VACTERL association, X-linked, with or without hydrocephalus (VACTERLX). Also called: VACTERL-H, X-LINKED; VACTERL Association with Hydrocephalus, X-linked; X-linked VACTERL-H syndrome; VACTERL ASSOCIATION, X-LINKED. Identifiers: Orphanet 3412, MedGen C2931228, MONDO:0010752, OMIM 314390.
Fanconi anemia (FA). Also called: Fanconi's anemia. Identifiers: Orphanet 84, MedGen C0015625, MeSH D005199, MONDO:0019391.

Allele frequency attached by ClinVar (database versions not stated): gnomAD exomes below 0.00001 and 0.00001; ExAC 0.00001.
gnomAD v4.1: 3 of 1,209,567 alleles (0.00025%); highest among the groups gnomAD compares: South Asian, 0.0018%; no homozygotes.

Submissions (2):

Fulgent Genetics
Classification: Uncertain significance for Fanconi anemia complementation group B; VACTERL association, X-linked, with or without hydrocephalus. Last evaluated: 2022-03-27. Review status: criteria provided, single submitter. Criteria: ACMG Guidelines, 2015. Collection method: clinical testing. Allele origin: unknown.

Labcorp Genetics (formerly Invitae), Labcorp
Classification: Uncertain significance for Fanconi anemia. Last evaluated: 2021-01-14. Review status: criteria provided, single submitter. Criteria: Invitae Variant Classification Sherloc (09022015). Collection method: clinical testing. Allele origin: germline.
Comment: In summary, the available evidence is currently insufficient to determine the role of this variant in disease. Therefore, it has been classified as a Variant of Uncertain Significance. Algorithms developed to predict the effect of missense changes on protein structure and function output the following: SIFT: "Tolerated"; PolyPhen-2: "Benign"; Align-GVGD: "Class C0". The aspartic acid amino acid residue is found in multiple mammalian species, suggesting that this missense change does not adversely affect protein function. These predictions have not been confirmed by published functional studies and their clinical significance is uncertain. This variant has not been reported in the literature in individuals with FANCB-related conditions. This variant is present in population databases (rs773221142, ExAC 0.01%). This sequence change replaces glutamic acid with aspartic acid at codon 573 of the FANCB protein (p.Glu573Asp). The glutamic acid residue is moderately conserved and there is a small physicochemical difference between glutamic acid and aspartic acid.